The following is an entry in ClinVar:

GRCh38/hg38 22q11.21(chr22:18874235-21109441)x1

Genes: SCARF2 (scavenger receptor class F member 2; minus strand), SEPT5-GP1BB (SEPT5-GP1BB readthrough; plus strand), SEPTIN5 (septin 5; plus strand), SERPIND1 (serpin family D member 1; plus strand), SLC25A1 (solute carrier family 25 member 1; minus strand) and 173 more. Cytogenetic location: 22q11.21.
Variant type: copy number loss.
Change: copy number 1 (one copy instead of two) of chr22:18,874,235-21,109,441 (2.24 Mb, GRCh38 coordinates, 1-based), cytogenetic band 22q11.21.
Identifiers: ClinVar variation 4852054 (VCV004852054.1).

ClinVar aggregate classification (germline): Pathogenic (1 of 4 stars; one submission).

Submission:

Clinical Genomics Laboratory, Laboratory for Precision Diagnostics, University of Washington
Classification: Pathogenic. Last evaluated: 2023-03-28. Review status: criteria provided, single submitter. Criteria: ACMG/ClinGen CNV Guidelines, 2019. Collection method: clinical testing. Allele origin: unknown. Affected: yes. Observed: 1 variant allele.
Comment: This is the 22q11.21 LCRA-D deletion found in the large majority of people with 22q11.2 deletion syndrome.

Literature cited by the submitters: PubMed 25962607.